The following is an entry in ClinVar:

NM_016356.5(DCDC2):c.660C>T (p.Tyr220=)

Gene: DCDC2 (doublecortin domain containing 2; minus strand). Cytogenetic location: 6p22.3.
Variant type: single nucleotide variant.
Coding change: c.660C>T on transcript NM_016356.5 (MANE Select); coding-DNA position 660, C replaced by T.
Protein change: p.Tyr220=; no amino-acid change (tyrosine 220 retained).
Molecular consequence: synonymous variant.
Genome position (GRCh38, 1-based): chr6:24,290,976, G>A on the plus strand (C>T on the coding strand, the complement: DCDC2 is on the minus strand). VCF-style: chr6-24290976-G-A. GRCh37 (hg19) VCF-style: chr6-24291204-G-A.
Other names: c.660C>T, p.Tyr220= (NM_001195610.2).
Identifiers: ClinVar variation 4977704 (VCV004977704.1).
Genomic context (GRCh38, chr6:24,290,976, plus strand): 5'-AAGGAGTAAGACTTACCCAAAAGGCCTTCTCATCGTTGACTTGTCAAAAAGTAACTCACT[G>A]TAAGGCAGTTTCTTAAACTTATCTCTGCCAACAGCCACATAAAACTGCCCATTCTCCAAC-3'
Protein context (NP_057440.2, residues 210-230): VGRDKFKKLP[Tyr220=]SELLFDKSTM

ClinVar aggregate classification (germline): Likely benign (1 of 4 stars; one submission).

Conditions:
DCDC2-related disorder. Also called: DCDC2-related condition.

gnomAD v4.1: 17 of 1,613,782 alleles (0.0011%); highest among the groups gnomAD compares: East Asian, 0.0089%; no homozygotes.

Submission:

PreventionGenetics, part of Exact Sciences
Classification: Likely benign for DCDC2-related condition. Last evaluated: 2025-09-11. Review status: criteria provided, single submitter. Criteria: ACMG Guidelines, 2015. Collection method: clinical testing. Allele origin: germline.
Comment: This variant is classified as likely benign based on ACMG/AMP sequence variant interpretation guidelines (Richards et al. 2015 PMID: 25741868, with internal and published modifications).